The following is an entry in ClinVar:

ClinVar aggregate classification (germline): Uncertain significance. Review status: criteria provided, multiple submitters, no conflicts (2 of 4 stars). 3 submissions from 3 submitters: Uncertain significance (3). Last evaluated 2026-06-20.

Conditions:
BEST1-related disorder. Also called: BEST1-related condition; BEST1-related disorders. Identifiers: MedGen CN239200.

Allele frequency attached by ClinVar (database versions not stated): gnomAD exomes 0.00001; gnomAD 0.00005 and 0.00006; TOPMed 0.00006.

Submissions (3):

PreventionGenetics, part of Exact Sciences
Classification: Uncertain significance for BEST1-related condition. Last evaluated: 2026-06-20. Review status: criteria provided, single submitter. Criteria: ACMG Guidelines, 2015. Collection method: clinical testing. Allele origin: germline.
Comment: The BEST1 c.1118T>C variant is predicted to result in the amino acid substitution p.Met373Thr. To our knowledge, this variant has not been reported in the literature. This variant is reported in 0.0080% of alleles in individuals of African descent in gnomAD. At this time, the clinical significance of this variant is uncertain due to the absence of conclusive functional and genetic evidence.

Labcorp Genetics (formerly Invitae), Labcorp
Classification: Uncertain significance. Last evaluated: 2024-04-08. Review status: criteria provided, single submitter. Criteria: Invitae Variant Classification Sherloc (09022015). Collection method: clinical testing. Allele origin: germline.
Comment: This sequence change replaces methionine, which is neutral and non-polar, with threonine, which is neutral and polar, at codon 373 of the BEST1 protein (p.Met373Thr). This variant is present in population databases (no rsID available, gnomAD 0.004%). This variant has not been reported in the literature in individuals affected with BEST1-related conditions. ClinVar contains an entry for this variant (Variation ID: 1026644). Algorithms developed to predict the effect of missense changes on protein structure and function output the following: SIFT: "Not Available"; PolyPhen-2: "Benign"; Align-GVGD: "Not Available". The threonine amino acid residue is found in multiple mammalian species, which suggests that this missense change does not adversely affect protein function. In summary, the available evidence is currently insufficient to determine the role of this variant in disease. Therefore, it has been classified as a Variant of Uncertain Significance.

Blueprint Genetics
Classification: Uncertain significance. Last evaluated: 2022-10-05. Review status: criteria provided, single submitter. Criteria: ACMG Guidelines, 2015. Collection method: clinical testing. Allele origin: germline.

NM_004183.4(BEST1):c.1118T>C (p.Met373Thr)

Gene: BEST1 (bestrophin 1; plus strand). Cytogenetic location: 11q12.3.
Variant type: single nucleotide variant.
Coding change: c.1118T>C on transcript NM_004183.4 (MANE Select); coding-DNA position 1118, T replaced by C.
Protein change: p.Met373Thr; replaces methionine 373 with threonine.
Molecular consequence: missense variant. On other transcripts: non-coding transcript variant (1).
Genome position (GRCh38, 1-based): chr11:61,962,272, T>C. VCF-style: chr11-61962272-T-C. GRCh37 (hg19) VCF-style: chr11-61729744-T-C.
Other names: c.938T>C, p.Met313Thr (NM_001139443.3, NM_001300787.2); c.857T>C, p.Met286Thr (NM_001300786.2); c.800T>C, p.Met267Thr (NM_001363591.3); c.*13T>C (NM_001363592.2); c.146T>C, p.Met49Thr (NM_001363593.3); c.1118T>C (NM_004183.3); short protein forms M267T, M286T, M313T, M373T, M49T.
Identifiers: ClinVar variation 1026644 (VCV001026644.8), dbSNP rs1000828274, ClinGen allele CA222941596.